The following is an entry in ClinVar:

ClinVar aggregate classification (germline): Uncertain significance (1 of 4 stars; one submission).

Submission:

GeneDx
Classification: Uncertain significance. Last evaluated: 2023-07-19. Review status: criteria provided, single submitter. Criteria: GeneDx Variant Classification Process June 2021. Collection method: clinical testing. Allele origin: germline. Affected: yes.
Comment: Not observed at significant frequency in large population cohorts (gnomAD); In silico analysis supports that this missense variant has a deleterious effect on protein structure/function; Has not been previously published as pathogenic or benign to our knowledge

NM_001353345.2(SETD1B):c.2344C>T (p.Leu782Phe)

Gene: SETD1B (SET domain containing 1B, histone lysine methyltransferase; plus strand). Cytogenetic location: 12q24.31.
Variant type: single nucleotide variant.
Coding change: c.2344C>T on transcript NM_001353345.2 (MANE Select); coding-DNA position 2344, C replaced by T.
Protein change: p.Leu782Phe; replaces leucine 782 with phenylalanine.
Molecular consequence: missense variant.
Genome position (GRCh38, 1-based): chr12:121,814,559, C>T. VCF-style: chr12-121814559-C-T. GRCh37 (hg19) VCF-style: chr12-122252465-C-T.
Other names: short protein forms L782F.
Identifiers: ClinVar variation 3361267 (VCV003361267.1).
Genomic context (GRCh38, chr12:121,814,559, plus strand): 5'-CACGTGCTGGGTGGCCAGTGGGGCGGCATGCCCATGTCCTTCCAGATGCAAACGCAGGTG[C>T]TCAGCCGGCTGATGACGGGCCAGGGCGCCTGCCCCTACCCGCCCTTCATGGCCGCTGCGG-3'
Protein context (NP_001340274.1, residues 772-792): PMSFQMQTQV[Leu782Phe]SRLMTGQGAC